The following is an entry in ClinVar:

ClinVar aggregate classification (germline): Uncertain significance (1 of 4 stars; one submission).

Submission:

Ambry Genetics
Classification: Uncertain significance. Last evaluated: 2026-05-18. Review status: criteria provided, single submitter. Criteria: Ambry Variant Classification Scheme 2023. Collection method: clinical testing. Allele origin: germline.
Comment: The p.Q1023P variant (also known as c.3068A>C), located in coding exon 27 of the KIF1B gene, results from an A to C substitution at nucleotide position 3068. The glutamine at codon 1023 is replaced by proline, an amino acid with similar properties. This amino acid position is conserved. In addition, this alteration is predicted to be deleterious by in silico analysis. Based on the available evidence, the clinical significance of this variant remains unclear.

NM_001365951.3(KIF1B):c.3206A>C (p.Gln1069Pro)

Gene: KIF1B (kinesin family member 1B; plus strand). Cytogenetic location: 1p36.22.
Variant type: single nucleotide variant.
Coding change: c.3206A>C on transcript NM_001365951.3 (MANE Select); coding-DNA position 3206, A replaced by C.
Protein change: p.Gln1069Pro; replaces glutamine 1069 with proline.
Molecular consequence: missense variant.
Genome position (GRCh38, 1-based): chr1:10,337,150, A>C. VCF-style: chr1-10337150-A-C. GRCh37 (hg19) VCF-style: chr1-10397208-A-C.
Other names: c.3206A>C, p.Gln1069Pro (NM_001365952.1); c.3068A>C, p.Gln1023Pro (NM_015074.3); short protein forms Q1023P, Q1069P.
Identifiers: ClinVar variation 4858809 (VCV004858809.1).